The following is an entry in ClinVar:

ClinVar aggregate classification (germline): Pathogenic (1 of 4 stars; one submission).

Submission:

Dasa
Classification: Pathogenic. Last evaluated: 2025-06-24. Review status: criteria provided, single submitter. Criteria: DASA Assertion Criteria. Collection method: clinical testing. Allele origin: germline.
Comment: NM_022095.4(ZNF335):c.3786T>G (p.Tyr1262*) introduces a premature termination codon predicted to result in loss of normal protein function. Loss-of-function is an established mechanism of disease for this gene. This variant has been observed in affected individuals with related phenotype in a genotype context consistent with recessive disease. The variant is present at low frequency in population datasets. Based on the available data, this variant is classified as pathogenic.

NM_022095.4(ZNF335):c.3786T>G (p.Tyr1262Ter)

Gene: ZNF335 (zinc finger protein 335; minus strand). Cytogenetic location: 20q13.12.
Variant type: single nucleotide variant.
Coding change: c.3786T>G on transcript NM_022095.4 (MANE Select); coding-DNA position 3786, T replaced by G.
Protein change: p.Tyr1262Ter; replaces tyrosine 1262 with a stop codon.
Molecular consequence: nonsense.
Genome position (GRCh38, 1-based): chr20:45,949,366, A>C on the plus strand (T>G on the coding strand, the complement: ZNF335 is on the minus strand). VCF-style: chr20-45949366-A-C. GRCh37 (hg19) VCF-style: chr20-44578005-A-C.
Other names: short protein forms Y1262*.
Identifiers: ClinVar variation 4851992 (VCV004851992.1).